The following is an entry in ClinVar:

ClinVar aggregate classification (germline): Uncertain significance. Review status: criteria provided, multiple submitters, no conflicts (2 of 4 stars). 2 submissions from 2 submitters: Uncertain significance (2). Last evaluated 2024-01-22.

Conditions:
Inborn genetic diseases. Identifiers: MedGen C0950123, MeSH D030342.

Allele frequency attached by ClinVar (database versions not stated): ExAC 0.00002; gnomAD exomes 0.00001.
gnomAD v4.1: 13 of 1,614,114 alleles (0.00081%); highest among the groups gnomAD compares: East Asian, 0.013%; no homozygotes.

Submissions (2):

Ambry Genetics
Classification: Uncertain significance for Inborn genetic diseases. Last evaluated: 2024-01-22. Review status: criteria provided, single submitter. Criteria: Ambry Variant Classification Scheme 2023. Collection method: clinical testing. Allele origin: germline.

Labcorp Genetics (formerly Invitae), Labcorp
Classification: Uncertain significance. Last evaluated: 2022-02-22. Review status: criteria provided, single submitter. Criteria: Invitae Variant Classification Sherloc (09022015). Collection method: clinical testing. Allele origin: germline.
Comment: This sequence change replaces threonine, which is neutral and polar, with methionine, which is neutral and non-polar, at codon 325 of the FAM20A protein (p.Thr325Met). This variant is present in population databases (rs770620515, gnomAD 0.03%). This variant has not been reported in the literature in individuals affected with FAM20A-related conditions. Algorithms developed to predict the effect of missense changes on protein structure and function (SIFT, PolyPhen-2, Align-GVGD) all suggest that this variant is likely to be disruptive. In summary, the available evidence is currently insufficient to determine the role of this variant in disease. Therefore, it has been classified as a Variant of Uncertain Significance.

NM_017565.4(FAM20A):c.974C>T (p.Thr325Met)

Genes: FAM20A (FAM20A golgi associated secretory pathway pseudokinase; minus strand), PRKAR1A (protein kinase cAMP-dependent type I regulatory subunit alpha; plus strand). Cytogenetic location: 17q24.2.
Variant type: single nucleotide variant.
Coding change: c.974C>T on transcript NM_017565.4 (MANE Select); coding-DNA position 974, C replaced by T.
Protein change: p.Thr325Met; replaces threonine 325 with methionine.
Molecular consequence: missense variant. On other transcripts: non-coding transcript variant (1), intron variant (1).
Genome position (GRCh38, 1-based): chr17:68,542,120, G>A on the plus strand (C>T on the coding strand, the complement: FAM20A is on the minus strand). VCF-style: chr17-68542120-G-A. GRCh37 (hg19) VCF-style: chr17-66538261-G-A.
Other names: c.560C>T, p.Thr187Met (NM_001243746.2); c.974-8964G>A (NM_001276290.1); short protein forms T187M, T325M.
Identifiers: ClinVar variation 2415820 (VCV002415820.41), dbSNP rs770620515, ClinGen allele CA8729847.